The following is an entry in ClinVar:

ClinVar aggregate classification (germline): Likely benign. Review status: criteria provided, multiple submitters, no conflicts (2 of 4 stars). 2 submissions from 2 submitters: Likely benign (2). Last evaluated 2026-01-08.

Conditions:
Muscular dystrophy-dystroglycanopathy type B6 (MDDGB6). Also called: MUSCULAR DYSTROPHY, CONGENITAL, LARGE-RELATED; MUSCULAR DYSTROPHY, CONGENITAL, TYPE 1D; MUSCULAR DYSTROPHY-DYSTROGLYCANOPATHY (CONGENITAL WITH IMPAIRED INTELLECTUAL DEVELOPMENT), TYPE B, 6. Identifiers: MedGen C1837229, MONDO:0012138, OMIM 608840.

Allele frequency attached by ClinVar (database versions not stated): gnomAD 0.00001; ExAC 0.00004; gnomAD exomes 0.00005.
gnomAD v4.1: 13 of 1,613,978 alleles (0.00081%); highest among the groups gnomAD compares: Admixed American, 0.018%; no homozygotes.

Submissions (2):

Labcorp Genetics (formerly Invitae), Labcorp
Classification: Likely benign for Muscular dystrophy-dystroglycanopathy type B6. Last evaluated: 2026-01-08. Review status: criteria provided, single submitter. Criteria: Invitae Variant Classification Sherloc (09022015). Collection method: clinical testing. Allele origin: germline.

GeneDx
Classification: Likely benign. Last evaluated: 2016-02-22. Review status: criteria provided, single submitter. Criteria: GeneDx Variant Classification (06012015). Collection method: clinical testing. Allele origin: germline. Affected: yes.
Comment: This variant is considered likely benign or benign based on one or more of the following criteria: it is a conservative change, it occurs at a poorly conserved position in the protein, it is predicted to be benign by multiple in silico algorithms, and/or has population frequency not consistent with disease.

NM_133642.5(LARGE1):c.333C>T (p.Ser111=)

Gene: LARGE1 (LARGE xylosyl- and glucuronyltransferase 1; minus strand). Cytogenetic location: 22q12.3.
Variant type: single nucleotide variant.
Coding change: c.333C>T on transcript NM_133642.5 (MANE Select); coding-DNA position 333, C replaced by T.
Protein change: p.Ser111=; no amino-acid change (serine 111 retained).
Molecular consequence: synonymous variant.
Genome position (GRCh38, 1-based): chr22:33,650,442, G>A on the plus strand (C>T on the coding strand, the complement: LARGE1 is on the minus strand). VCF-style: chr22-33650442-G-A. GRCh37 (hg19) VCF-style: chr22-34046428-G-A.
Other names: c.333C>T, p.Ser111= (NM_001362949.2, NM_001362953.2, NM_001378626.1 and 7 more transcripts).
Identifiers: ClinVar variation 383718 (VCV000383718.9), dbSNP rs746767821, ClinGen allele CA10203088.